The following is an entry in ClinVar:

ClinVar aggregate classification (germline): Uncertain significance (1 of 4 stars; one submission).

Conditions:
Cardiovascular phenotype. Identifiers: MedGen CN230736.

gnomAD v4.1: 4 of 1,602,066 alleles (0.00025%); highest among the groups gnomAD compares: East Asian, 0.0022%; no homozygotes.

Submission:

Ambry Genetics
Classification: Uncertain significance for Cardiovascular phenotype. Last evaluated: 2021-04-14. Review status: criteria provided, single submitter. Criteria: Ambry Variant Classification Scheme 2023. Collection method: clinical testing. Allele origin: germline.
Comment: The c.2203+5G>T intronic variant results from a G to T substitution 5 nucleotides after coding exon 20 in the RYR2 gene. This nucleotide position is not well conserved in available vertebrate species. This variant has been reported in a hypertrophic cardiomyopathy cohort; however, clinical details were limited. (Lopes LR et al. J Med Genet, 2013 Apr;50:228-39). In silico splice site analysis for this alteration is inconclusive. Since supporting evidence is limited at this time, the clinical significance of this alteration remains unclear.

Literature cited by the submitters: PubMed 23396983.

NM_001035.3(RYR2):c.2203+5G>T

Gene: RYR2 (ryanodine receptor 2; plus strand). Cytogenetic location: 1q43.
Variant type: single nucleotide variant.
Coding change: c.2203+5G>T on transcript NM_001035.3 (MANE Select); 5 bases into the intron after coding-DNA position 2203, G replaced by T.
Molecular consequence: intron variant.
Genome position (GRCh38, 1-based): chr1:237,496,757, G>T. VCF-style: chr1-237496757-G-T. GRCh37 (hg19) VCF-style: chr1-237660057-G-T.
Identifiers: ClinVar variation 1787660 (VCV001787660.2), dbSNP rs766288440, ClinGen allele CA529912634.
Genomic context (GRCh38, chr1:237,496,757, plus strand): 5'-TGGTGTTGGAGATGATCTCTTCTCCTATGGATTTGATGGCCTTCATCTCTGGTCAGGTAC[G>T]TACTATCCATTTTCTTTCACCGTGTTCCAGAAGATCTTTTGCTGGGCATTTCTGAAAGCT-3'